The following is an entry in ClinVar:

ClinVar aggregate classification (germline): Uncertain significance. Review status: criteria provided, multiple submitters, no conflicts (2 of 4 stars). 2 submissions from 2 submitters: Uncertain significance (2). Last evaluated 2023-10-01.

Conditions:
Inborn genetic diseases. Identifiers: MedGen C0950123, MeSH D030342.

Allele frequency attached by ClinVar (database versions not stated): TOPMed 0.00001.

Submissions (2):

Labcorp Genetics (formerly Invitae), Labcorp
Classification: Uncertain significance. Last evaluated: 2023-10-01. Review status: criteria provided, single submitter. Criteria: Invitae Variant Classification Sherloc (09022015). Collection method: clinical testing. Allele origin: germline.
Comment: This sequence change replaces isoleucine, which is neutral and non-polar, with valine, which is neutral and non-polar, at codon 337 of the ERBB4 protein (p.Ile337Val). This variant is not present in population databases (gnomAD no frequency). This variant has not been reported in the literature in individuals affected with ERBB4-related conditions. Advanced modeling of protein sequence and biophysical properties (such as structural, functional, and spatial information, amino acid conservation, physicochemical variation, residue mobility, and thermodynamic stability) performed at Invitae indicates that this missense variant is not expected to disrupt ERBB4 protein function. In summary, the available evidence is currently insufficient to determine the role of this variant in disease. Therefore, it has been classified as a Variant of Uncertain Significance.

Ambry Genetics
Classification: Uncertain significance for Inborn genetic diseases. Last evaluated: 2023-07-11. Review status: criteria provided, single submitter. Criteria: Ambry Variant Classification Scheme 2023. Collection method: clinical testing. Allele origin: germline.

NM_005235.3(ERBB4):c.1009A>G (p.Ile337Val)

Gene: ERBB4 (erb-b2 receptor tyrosine kinase 4; minus strand). Cytogenetic location: 2q34.
Variant type: single nucleotide variant.
Coding change: c.1009A>G on transcript NM_005235.3 (MANE Select); coding-DNA position 1009, A replaced by G.
Protein change: p.Ile337Val; replaces isoleucine 337 with valine.
Molecular consequence: missense variant.
Genome position (GRCh38, 1-based): chr2:211,712,165, T>C on the plus strand (A>G on the coding strand, the complement: ERBB4 is on the minus strand). VCF-style: chr2-211712165-T-C. GRCh37 (hg19) VCF-style: chr2-212576890-T-C.
Other names: c.1009A>G, p.Ile337Val (NM_001042599.2); short protein forms I337V.
Identifiers: ClinVar variation 2610247 (VCV002610247.5), dbSNP rs1184477882, ClinGen allele CA350443572.